The following is an entry in ClinVar:

NM_000238.4(KCNH2):c.923T>C (p.Met308Thr)

Gene: KCNH2 (potassium voltage-gated channel subfamily H member 2; minus strand). Cytogenetic location: 7q36.1.
Variant type: single nucleotide variant.
Coding change: c.923T>C on transcript NM_000238.4 (MANE Select); coding-DNA position 923, T replaced by C.
Protein change: p.Met308Thr; replaces methionine 308 with threonine.
Molecular consequence: missense variant. On other transcripts: non-coding transcript variant (1).
Genome position (GRCh38, 1-based): chr7:150,957,496, A>G on the plus strand (T>C on the coding strand, the complement: KCNH2 is on the minus strand). VCF-style: chr7-150957496-A-G. GRCh37 (hg19) VCF-style: chr7-150654584-A-G.
Other names: c.635T>C, p.Met212Thr (NM_001406753.1, NM_001406756.1); c.746T>C, p.Met249Thr (NM_001406755.1); c.623T>C, p.Met208Thr (NM_001406757.1); c.923T>C, p.Met308Thr (NM_172056.3); short protein forms M208T, M249T, M212T, M308T.
Identifiers: ClinVar variation 3703693 (VCV003703693.3).

ClinVar aggregate classification (germline): Conflicting classifications of pathogenicity. Review status: criteria provided, conflicting classifications (1 of 4 stars). 2 submissions from 2 submitters: Uncertain significance (1); Likely benign (1). Last evaluated 2024-10-02.

Conditions:
Long QT syndrome (LQTS). Identifiers: MedGen C0023976, MeSH D008133, MONDO:0002442. Disease mechanism: loss of function. Inheritance: Various modes of inheritance.

gnomAD v4.1: 20 of 1,612,184 alleles (0.0012%); highest among the groups gnomAD compares: Non-Finnish European, 0.000085%; no homozygotes.

Submissions (2):

Labcorp Genetics (formerly Invitae), Labcorp
Classification: Uncertain significance for Long QT syndrome. Last evaluated: 2024-10-02. Review status: criteria provided, single submitter. Criteria: Invitae Variant Classification Sherloc (09022015). Collection method: clinical testing. Allele origin: germline.
Comment: This sequence change replaces methionine, which is neutral and non-polar, with threonine, which is neutral and polar, at codon 308 of the KCNH2 protein (p.Met308Thr). This variant is present in population databases (no rsID available, gnomAD 0.01%). This variant has not been reported in the literature in individuals affected with KCNH2-related conditions. An algorithm developed to predict the effect of missense changes on protein structure and function (PolyPhen-2) suggests that this variant is likely to be tolerated. In summary, the available evidence is currently insufficient to determine the role of this variant in disease. Therefore, it has been classified as a Variant of Uncertain Significance.

Blueprint Genetics
Classification: Likely benign. Last evaluated: 2022-09-27. Review status: criteria provided, single submitter. Criteria: ACMG Guidelines, 2015. Collection method: clinical testing. Allele origin: germline.